The following is an entry in ClinVar:

NM_000426.4(LAMA2):c.4876C>T (p.Gln1626Ter)

Gene: LAMA2 (laminin subunit alpha 2; plus strand). Cytogenetic location: 6q22.33.
Variant type: single nucleotide variant.
Coding change: c.4876C>T on transcript NM_000426.4 (MANE Select); coding-DNA position 4876, C replaced by T.
Protein change: p.Gln1626Ter; replaces glutamine 1626 with a stop codon.
Molecular consequence: nonsense.
Genome position (GRCh38, 1-based): chr6:129,369,907, C>T. VCF-style: chr6-129369907-C-T. GRCh37 (hg19) VCF-style: chr6-129691052-C-T.
Other names: c.4876C>T, p.Gln1626Ter (NM_001079823.2); short protein forms Q1626*.
Identifiers: ClinVar variation 477476 (VCV000477476.15), dbSNP rs369776766, ClinGen allele CA3993707.
Genomic context (GRCh38, chr6:129,369,907, plus strand): 5'-CAAGGCCATTTACTAAAAATGTTTATGGGATGGAATCTTTTTCAGCACTTGCTGTCACCT[C>T]AGCGGGCCCCAGAGAGGCTTATTCAGCTGGCAGAGGGCAATCTGAATACACTCGTGACCG-3'

ClinVar aggregate classification (germline): Pathogenic/Likely pathogenic. Review status: criteria provided, multiple submitters, no conflicts (2 of 4 stars). 5 submissions from 5 submitters: Pathogenic (2); Likely pathogenic (3). Last evaluated 2024-10-31.

Conditions:
Muscular dystrophy, limb-girdle, autosomal recessive 23. Identifiers: Orphanet 565837, MedGen C4748327, MONDO:0029136, OMIM 618138.
Merosin deficient congenital muscular dystrophy (MDC1A). Also called: Congenital merosin-deficient muscular dystrophy 1A; Congenital Muscular Dystrophy Type 1A (MDC1A). Identifiers: Orphanet 258, MedGen C1263858, MONDO:0011925, OMIM 607855.
LAMA2-related muscular dystrophy (LAMA2-RD). Also called: Laminin alpha 2-related dystrophy. Identifiers: MedGen C5679788, MONDO:0100228.

Allele frequency attached by ClinVar (database versions not stated): gnomAD exomes below 0.00001; ExAC 0.00002; gnomAD 0.00002; TOPMed 0.00003; ESP Exome Variant Server 0.00015.
gnomAD v4.1: 3 of 1,613,968 alleles (0.00019%); highest among the groups gnomAD compares: African/African-American, 0.004%; no homozygotes.

Submissions (5):

Women's Health and Genetics/Laboratory Corporation of America, LabCorp
Classification: Pathogenic for LAMA2-related muscular dystrophy. Last evaluated: 2024-10-31. Review status: criteria provided, single submitter. Criteria: LabCorp Variant Classification Summary - May 2015. Collection method: clinical testing. Allele origin: germline.
Comment: Variant summary: LAMA2 c.4876C>T (p.Gln1626X) results in a premature termination codon, predicted to cause a truncation of the encoded protein or absence of the protein due to nonsense mediated decay, which are commonly known mechanisms for disease. The variant allele was found at a frequency of 4e-06 in 250824 control chromosomes. To our knowledge, no occurrence of c.4876C>T in individuals affected with Laminin Alpha 2-Related Dystrophy and no experimental evidence demonstrating its impact on protein function have been reported. ClinVar contains an entry for this variant (Variation ID: 477476). Based on the evidence outlined above, the variant was classified as pathogenic.

Baylor Genetics
Classification: Likely pathogenic for Merosin deficient congenital muscular dystrophy. Last evaluated: 2024-03-04. Review status: criteria provided, single submitter. Criteria: ACMG Guidelines, 2015. Collection method: clinical testing. Allele origin: unknown.

Fulgent Genetics
Classification: Likely pathogenic for Merosin deficient congenital muscular dystrophy; Muscular dystrophy, limb-girdle, autosomal recessive 23. Last evaluated: 2024-01-24. Review status: criteria provided, single submitter. Criteria: ACMG Guidelines, 2015. Collection method: clinical testing. Allele origin: germline.

Labcorp Genetics (formerly Invitae), Labcorp
Classification: Pathogenic for LAMA2-related muscular dystrophy. Last evaluated: 2023-08-31. Review status: criteria provided, single submitter. Criteria: Invitae Variant Classification Sherloc (09022015). Collection method: clinical testing. Allele origin: germline.
Comment: For these reasons, this variant has been classified as Pathogenic. ClinVar contains an entry for this variant (Variation ID: 477476). This variant has not been reported in the literature in individuals affected with LAMA2-related conditions. This variant is present in population databases (rs369776766, gnomAD 0.006%). This sequence change creates a premature translational stop signal (p.Gln1626*) in the LAMA2 gene. It is expected to result in an absent or disrupted protein product. Loss-of-function variants in LAMA2 are known to be pathogenic (PMID: 18700894, 32904964).

New York Genome Center
Classification: Likely pathogenic for Muscular dystrophy, limb-girdle, autosomal recessive 23; Merosin deficient congenital muscular dystrophy. Last evaluated: 2021-06-22. Review status: criteria provided, single submitter. Criteria: NYGC Assertion Criteria 2020. Collection method: clinical testing. Allele origin: germline. Observed: 1 variant allele, 1 heterozygote. Study: CSER-NYCKidSeq.
Comment: The heterozygous c.4876C>T (p.Gln1626Ter) stop-gained variant identified in exon 34 (of 65) of the LAMA2 gene has not been reported in affected individuals in theliterature. The variant creates a premature translation termination codon and is predicted to cause loss of normal protein function either through protein truncation or nonsense-mediated mRNA decay. The variant has been reported in the ClinVar database [Variation ID: 477476]. The variant has 0.00001971 allele frequency in the gnomAD(v3) database (3 out of 152206 heterozygous alleles, no homozygotes) suggesting it is not a common benign variant in the populations represented in that database. Based on the available evidence, the heterozygous c.4876C>T (p.Gln1626Ter) stop-gained variant identified in the LAMA2 gene is reported as Likely Pathogenic.

Literature cited by the submitters: PubMed 18700894 (cited by Labcorp Genetics (formerly Invitae), Labcorp); PubMed 32904964 (cited by Labcorp Genetics (formerly Invitae), Labcorp).